The following is an entry in ClinVar:

NM_032790.4(ORAI1):c.66C>T (p.Ser22=)

Genes: ORAI1 (ORAI calcium release-activated calcium modulator 1; plus strand), LOC130008987 (ATAC-STARR-seq lymphoblastoid silent region 4981; plus strand). Cytogenetic location: 12q24.31.
Variant type: single nucleotide variant.
Coding change: c.66C>T on transcript NM_032790.4 (MANE Select); coding-DNA position 66, C replaced by T.
Protein change: p.Ser22=; no amino-acid change (serine 22 retained).
Molecular consequence: synonymous variant. On other transcripts: non-coding transcript variant (1).
Genome position (GRCh38, 1-based): chr12:121,626,808, C>T. VCF-style: chr12-121626808-C-T. GRCh37 (hg19) VCF-style: chr12-122064713-C-T.
Identifiers: ClinVar variation 3027354 (VCV003027354.22), dbSNP rs2503521628, ClinGen allele CA482166947.

ClinVar aggregate classification (germline): Likely benign (1 of 4 stars; one submission).

Submission:

CeGaT Center for Human Genetics Tuebingen
Classification: Likely benign. Last evaluated: 2024-02-01. Review status: criteria provided, single submitter. Criteria: CeGaT Center For Human Genetics Tuebingen Variant Classification Criteria Version 2. Collection method: clinical testing. Allele origin: germline. Affected: yes. Observed: 1 variant allele.
Comment: ORAI1: PM2:Supporting, BP4, BP7